The following is an entry in ClinVar:

ClinVar aggregate classification (germline): Benign/Likely benign. Review status: criteria provided, multiple submitters, no conflicts (2 of 4 stars). 3 submissions from 3 submitters: Benign (1); Likely benign (2). Last evaluated 2026-08-11.

Conditions:
AMER1-related disorder. Also called: AMER1-related condition.

Allele frequency attached by ClinVar (database versions not stated): gnomAD exomes 0.00037; ExAC 0.00063; gnomAD 0.00109 and 0.00113; ESP Exome Variant Server 0.00113; TOPMed 0.00130; 1000 Genomes Project 0.00159; 1000 Genomes Project 30x 0.00166.
gnomAD v4.1: 278 of 1,204,454 alleles (0.023%); highest among the groups gnomAD compares: African/African-American, 0.41%; 1 homozygote.

Submissions (3):

PreventionGenetics, part of Exact Sciences
Classification: Likely benign for AMER1-related condition. Last evaluated: 2026-08-11. Review status: criteria provided, single submitter. Criteria: ACMG Guidelines, 2015. Collection method: clinical testing. Allele origin: germline.
Comment: This variant is classified as likely benign based on ACMG/AMP sequence variant interpretation guidelines (Richards et al. 2015 PMID: 25741868, with internal and published modifications).

Labcorp Genetics (formerly Invitae), Labcorp
Classification: Benign. Last evaluated: 2026-01-27. Review status: criteria provided, single submitter. Criteria: Invitae Variant Classification Sherloc (09022015). Collection method: clinical testing. Allele origin: germline.

Blueprint Genetics
Classification: Likely benign. Last evaluated: 2022-10-28. Review status: criteria provided, single submitter. Criteria: ACMG Guidelines, 2015. Collection method: clinical testing. Allele origin: germline.

NM_152424.4(AMER1):c.3336G>A (p.Glu1112=)

Gene: AMER1 (APC membrane recruitment protein 1; minus strand). Cytogenetic location: Xq11.2.
Variant type: single nucleotide variant.
Coding change: c.3336G>A on transcript NM_152424.4 (MANE Select); coding-DNA position 3336, G replaced by A.
Protein change: p.Glu1112=; no amino-acid change (glutamic acid 1112 retained).
Molecular consequence: synonymous variant.
Genome position (GRCh38, 1-based): chrX:64,189,951, C>T on the plus strand (G>A on the coding strand, the complement: AMER1 is on the minus strand). VCF-style: chrX-64189951-C-T. GRCh37 (hg19) VCF-style: chrX-63409831-C-T.
Identifiers: ClinVar variation 749505 (VCV000749505.11), dbSNP rs200797349, ClinGen allele CA10432079.